The following is an entry in ClinVar:

ClinVar aggregate classification (germline): Conflicting classifications of pathogenicity. Review status: criteria provided, conflicting classifications (1 of 4 stars). 4 submissions from 4 submitters: Uncertain significance (3); Likely benign (1). Last evaluated 2025-05-08.

Conditions:
Inborn genetic diseases. Identifiers: MedGen C0950123, MeSH D030342.
Hereditary spastic paraplegia 48. Also called: SPASTIC PARAPLEGIA 48, AUTOSOMAL RECESSIVE; Spastic paraplegia 48. Identifiers: Orphanet 306511, MedGen C3150901, MONDO:0013342, OMIM 613647.

Allele frequency attached by ClinVar (database versions not stated): gnomAD 0.00004 and 0.00005; TOPMed 0.00009; 1000 Genomes Project 30x 0.00016; ESP Exome Variant Server 0.00017; 1000 Genomes Project 0.00020.

Submissions (4):

Women's Health and Genetics/Laboratory Corporation of America, LabCorp
Classification: Uncertain significance. Last evaluated: 2025-05-08. Review status: criteria provided, single submitter. Criteria: LabCorp Variant Classification Summary - May 2015. Collection method: clinical testing. Allele origin: germline.
Comment: Variant summary: AP5Z1 c.854G>A (p.Arg285His) results in a non-conservative amino acid change in the encoded protein sequence. Algorithms developed to predict the effect of missense changes on protein structure and function are either unavailable or do not agree on the potential impact of this missense change. The variant allele was found at a frequency of 6.2e-05 in 243496 control chromosomes. This frequency is not significantly higher than estimated for a pathogenic variant in AP5Z1 causing Hereditary Spastic Paraplegia 48, allowing no conclusion about variant significance. To our knowledge, no occurrence of c.854G>A in individuals affected with Hereditary Spastic Paraplegia 48 and no experimental evidence demonstrating its impact on protein function have been reported. ClinVar contains an entry for this variant (Variation ID: 1163465). Based on the evidence outlined above, the variant was classified as uncertain significance.

Ambry Genetics
Classification: Likely benign for Inborn genetic diseases. Last evaluated: 2024-08-20. Review status: criteria provided, single submitter. Criteria: Ambry Variant Classification Scheme 2023. Collection method: clinical testing. Allele origin: germline.

Labcorp Genetics (formerly Invitae), Labcorp
Classification: Uncertain significance for Hereditary spastic paraplegia 48. Last evaluated: 2022-05-25. Review status: criteria provided, single submitter. Criteria: Invitae Variant Classification Sherloc (09022015). Collection method: clinical testing. Allele origin: germline.
Comment: This sequence change replaces arginine, which is basic and polar, with histidine, which is basic and polar, at codon 285 of the AP5Z1 protein (p.Arg285His). This variant is present in population databases (rs374794960, gnomAD 0.02%). This variant has not been reported in the literature in individuals affected with AP5Z1-related conditions. ClinVar contains an entry for this variant (Variation ID: 1163465). Algorithms developed to predict the effect of missense changes on protein structure and function output the following: SIFT: "Tolerated"; PolyPhen-2: "Benign"; Align-GVGD: "Class C0". The histidine amino acid residue is found in multiple mammalian species, which suggests that this missense change does not adversely affect protein function. In summary, the available evidence is currently insufficient to determine the role of this variant in disease. Therefore, it has been classified as a Variant of Uncertain Significance.

Mayo Clinic Laboratories, Mayo Clinic
Classification: Uncertain significance. Last evaluated: 2020-09-10. Review status: criteria provided, single submitter. Criteria: ACMG Guidelines, 2015. Collection method: clinical testing. Allele origin: germline. Observed: 1 variant allele.

NM_014855.3(AP5Z1):c.854G>A (p.Arg285His)

Gene: AP5Z1 (adaptor related protein complex 5 subunit zeta 1; plus strand). Cytogenetic location: 7p22.1.
Variant type: single nucleotide variant.
Coding change: c.854G>A on transcript NM_014855.3 (MANE Select); coding-DNA position 854, G replaced by A.
Protein change: p.Arg285His; replaces arginine 285 with histidine.
Molecular consequence: missense variant. On other transcripts: non-coding transcript variant (1).
Genome position (GRCh38, 1-based): chr7:4,784,971, G>A. VCF-style: chr7-4784971-G-A. GRCh37 (hg19) VCF-style: chr7-4824602-G-A.
Other names: c.386G>A, p.Arg129His (NM_001364858.1); short protein forms R129H, R285H.
Identifiers: ClinVar variation 1163465 (VCV001163465.8), dbSNP rs374794960, ClinGen allele CA4137426.
Genomic context (GRCh38, chr7:4,784,971, plus strand): 5'-ACAGGTCAGAGCAGGAGGGCTCCACTCTGTCGGTGATCTCCGCCACCTCCTCTGCCGGCC[G>A]CCTGCTGCCGCCCCGGGAGCGGCTTCGGGAGGTGGCCTTCGAGTACTGCCAGCGCCTCAT-3'
Protein context (NP_055670.1, residues 275-295): SVISATSSAG[Arg285His]LLPPRERLRE